The following is an entry in ClinVar:

NM_000722.4(CACNA2D1):c.2983A>C (p.Lys995Gln)

Gene: CACNA2D1 (calcium voltage-gated channel auxiliary subunit alpha2delta 1; minus strand). Cytogenetic location: 7q21.11.
Variant type: single nucleotide variant.
Coding change: c.2983A>C on transcript NM_000722.4 (MANE Select); coding-DNA position 2983, A replaced by C.
Protein change: p.Lys995Gln; replaces lysine 995 with glutamine.
Molecular consequence: missense variant.
Genome position (GRCh38, 1-based): chr7:81,959,813, T>G on the plus strand (A>C on the coding strand, the complement: CACNA2D1 is on the minus strand). VCF-style: chr7-81959813-T-G. GRCh37 (hg19) VCF-style: chr7-81589129-T-G.
Other names: c.2983A>C (LRG_437t1); c.3019A>C, p.Lys1007Gln (NM_001366867.1); short protein forms K995Q, K1007Q.
Identifiers: ClinVar variation 421337 (VCV000421337.10), dbSNP rs749398266, ClinGen allele CA16618565.

ClinVar aggregate classification (germline): Conflicting classifications of pathogenicity. Review status: criteria provided, conflicting classifications (1 of 4 stars). 3 submissions from 3 submitters: Uncertain significance (2); Likely benign (1). Last evaluated 2025-08-21.

Conditions:
Cardiovascular phenotype. Identifiers: MedGen CN230736.
Brugada syndrome. Also called: Sudden unexplained nocturnal death syndrome; Sudden unexpected nocturnal death syndrome; Sudden Unexplained Nocturnal Death Syndrome (SUNDS); Sudden Unexplained Death Syndrome. Identifiers: Orphanet 130, MedGen C1142166, MONDO:0015263.

Allele frequency attached by ClinVar (database versions not stated): gnomAD exomes 0.00002 and 0.00004; TOPMed 0.00009; gnomAD 0.00016 and 0.00017.
gnomAD v4.1: 34 of 1,612,184 alleles (0.0021%); highest among the groups gnomAD compares: Admixed American, 0.057%; no homozygotes.

Submissions (3):

Ambry Genetics
Classification: Likely benign for Cardiovascular phenotype. Last evaluated: 2025-08-21. Review status: criteria provided, single submitter. Criteria: Ambry Variant Classification Scheme 2023. Collection method: clinical testing. Allele origin: germline.

Labcorp Genetics (formerly Invitae), Labcorp
Classification: Uncertain significance for Brugada syndrome. Last evaluated: 2021-01-25. Review status: criteria provided, single submitter. Criteria: Invitae Variant Classification Sherloc (09022015). Collection method: clinical testing. Allele origin: germline.
Comment: This sequence change replaces lysine with glutamine at codon 995 of the CACNA2D1 protein (p.Lys995Gln). The lysine residue is highly conserved and there is a small physicochemical difference between lysine and glutamine. This variant is not present in population databases (ExAC no frequency). In summary, the available evidence is currently insufficient to determine the role of this variant in disease. Therefore, it has been classified as a Variant of Uncertain Significance. Algorithms developed to predict the effect of missense changes on protein structure and function are either unavailable or do not agree on the potential impact of this missense change (SIFT: "Tolerated"; PolyPhen-2: "Probably Damaging"; Align-GVGD: "Class C0"). This variant has not been reported in the literature in individuals with CACNA2D1-related conditions. ClinVar contains an entry for this variant (Variation ID: 421337).

GeneDx
Classification: Uncertain significance. Last evaluated: 2016-05-25. Review status: criteria provided, single submitter. Criteria: GeneDx Variant Classification (06012015). Collection method: clinical testing. Allele origin: germline. Affected: yes.
Comment: The K995Q variant in the CACNA2D1 gene has not been reported previously as a pathogenic variant, nor as a benign variant, to our knowledge. The K995Q variant was not observed in approximately 6500 individuals of European and African American ancestry in the NHLBI Exome Sequencing Project, indicating it is not a common benign variant in these populations. The K995Q variant is a semi-conservative amino acid substitution, which occurs at a position that is conserved across species. In silico analysis is inconsistent in its predictions as to whether or not the variant is damaging to the protein structure/function.